The following is an entry in ClinVar:

ClinVar aggregate classification (germline): Uncertain significance (1 of 4 stars; one submission).

Submission:

GeneDx
Classification: Uncertain significance. Last evaluated: 2023-05-16. Review status: criteria provided, single submitter. Criteria: GeneDx Variant Classification Process June 2021. Collection method: clinical testing. Allele origin: germline. Affected: yes.
Comment: Not observed at significant frequency in large population cohorts (gnomAD); In silico analysis supports that this missense variant does not alter protein structure/function; Has not been previously published as pathogenic or benign to our knowledge

NM_152743.4(BRAT1):c.1655A>G (p.Gln552Arg)

Gene: BRAT1 (BRCA1 associated ATM activator 1; minus strand). Cytogenetic location: 7p22.3.
Variant type: single nucleotide variant.
Coding change: c.1655A>G on transcript NM_152743.4 (MANE Select); coding-DNA position 1655, A replaced by G.
Protein change: p.Gln552Arg; replaces glutamine 552 with arginine.
Molecular consequence: missense variant. On other transcripts: non-coding transcript variant (1).
Genome position (GRCh38, 1-based): chr7:2,539,294, T>C on the plus strand (A>G on the coding strand, the complement: BRAT1 is on the minus strand). VCF-style: chr7-2539294-T-C. GRCh37 (hg19) VCF-style: chr7-2578928-T-C.
Other names: c.1655A>G, p.Gln552Arg (NM_001350626.2); c.1130A>G, p.Gln377Arg (NM_001350627.2); short protein forms Q377R, Q552R.
Identifiers: ClinVar variation 3343236 (VCV003343236.1).
Genomic context (GRCh38, chr7:2,539,294, plus strand): 5'-AGCTGCCCCATGGCGGTCACTGCACTCGCTCGGACATAACTCTCAGGGTCCTGGAGGAGC[T>C]GCAGGGCCAGCTGAGGCACCTCTGAAGCCAAGAGTGCGCATCTGAAGTCAGCCTGTCCTG-3'
Protein context (NP_689956.2, residues 542-562): LASEVPQLAL[Gln552Arg]LLQDPESYVR